The following is an entry in ClinVar:

ClinVar aggregate classification (germline): Uncertain significance (1 of 4 stars; one submission).

Submission:

GeneDx
Classification: Uncertain significance. Last evaluated: 2022-12-06. Review status: criteria provided, single submitter. Criteria: GeneDx Variant Classification Process June 2021. Collection method: clinical testing. Allele origin: germline. Affected: yes.
Comment: Not observed at significant frequency in large population cohorts (gnomAD); In silico analysis supports that this missense variant does not alter protein structure/function; Has not been previously published as pathogenic or benign to our knowledge

NM_052867.4(NALCN):c.34G>A (p.Ala12Thr)

Gene: NALCN (sodium leak channel, non-selective; minus strand). Cytogenetic location: 13q33.1.
Variant type: single nucleotide variant.
Coding change: c.34G>A on transcript NM_052867.4 (MANE Select); coding-DNA position 34, G replaced by A.
Protein change: p.Ala12Thr; replaces alanine 12 with threonine.
Molecular consequence: missense variant.
Genome position (GRCh38, 1-based): chr13:101,399,093, C>T on the plus strand (G>A on the coding strand, the complement: NALCN is on the minus strand). VCF-style: chr13-101399093-C-T. GRCh37 (hg19) VCF-style: chr13-102051444-C-T.
Other names: c.34G>A, p.Ala12Thr (NM_001350748.2, NM_001350749.2, NM_001350750.2 and 1 more transcripts); short protein forms A12T.
Identifiers: ClinVar variation 2505823 (VCV002505823.1), dbSNP rs2548622137, ClinGen allele CA388707354.